The following is an entry in ClinVar:

ClinVar aggregate classification (germline): Uncertain significance (1 of 4 stars; one submission).

Allele frequency attached by ClinVar (database versions not stated): gnomAD exomes below 0.00001; ExAC 0.00002.
gnomAD v4.1: 3 of 1,588,096 alleles (0.00019%); highest among the groups gnomAD compares: Non-Finnish European, 0.00026%; no homozygotes.

Submission:

Labcorp Genetics (formerly Invitae), Labcorp
Classification: Uncertain significance. Last evaluated: 2024-10-16. Review status: criteria provided, single submitter. Criteria: Invitae Variant Classification Sherloc (09022015). Collection method: clinical testing. Allele origin: germline.
Comment: This sequence change replaces serine, which is neutral and polar, with glycine, which is neutral and non-polar, at codon 246 of the ANKRD26 protein (p.Ser246Gly). The frequency data for this variant in the population databases is considered unreliable, as metrics indicate poor data quality at this position in the gnomAD database. This variant has not been reported in the literature in individuals affected with ANKRD26-related conditions. ClinVar contains an entry for this variant (Variation ID: 2413450). An algorithm developed to predict the effect of missense changes on protein structure and function (PolyPhen-2) suggests that this variant is likely to be tolerated. Algorithms developed to predict the effect of sequence changes on RNA splicing suggest that this variant may disrupt the consensus splice site. In summary, the available evidence is currently insufficient to determine the role of this variant in disease. Therefore, it has been classified as a Variant of Uncertain Significance.

NM_014915.3(ANKRD26):c.736A>G (p.Ser246Gly)

Gene: ANKRD26 (ankyrin repeat domain 26; minus strand). Cytogenetic location: 10p12.1.
Variant type: single nucleotide variant.
Coding change: c.736A>G on transcript NM_014915.3 (MANE Select); coding-DNA position 736, A replaced by G.
Protein change: p.Ser246Gly; replaces serine 246 with glycine.
Molecular consequence: missense variant.
Genome position (GRCh38, 1-based): chr10:27,082,807, T>C on the plus strand (A>G on the coding strand, the complement: ANKRD26 is on the minus strand). VCF-style: chr10-27082807-T-C. GRCh37 (hg19) VCF-style: chr10-27371736-T-C.
Other names: c.736A>G, p.Ser246Gly (NM_001256053.2); short protein forms S246G.
Identifiers: ClinVar variation 2413450 (VCV002413450.6), dbSNP rs750400386, ClinGen allele CA5448830.